The following is an entry in ClinVar:

ClinVar aggregate classification (germline): Likely benign. Review status: criteria provided, multiple submitters, no conflicts (2 of 4 stars). 3 submissions from 3 submitters: Likely benign (2). 1 of the submissions does not count toward it. Last evaluated 2018-01-13.

Conditions:
AURKC-related disorder. Also called: AURKC-related condition.
Infertility associated with multi-tailed spermatozoa and excessive DNA (SPGF5). Also called: Male Infertility with Large-Headed, Multiflagellar, Polyploid Spermatozoa; spermatogenic failure 5. Identifiers: Orphanet 137893, MedGen C0403812, MONDO:0009461, OMIM 243060.

Allele frequency attached by ClinVar (database versions not stated): ExAC 0.00190; ESP Exome Variant Server 0.00584; gnomAD 0.00593; TOPMed 0.00623; 1000 Genomes Project 0.00679; 1000 Genomes Project 30x 0.00703; gnomAD exomes 0.00148.
gnomAD v4.1: 1,833 of 1,614,124 alleles (0.11%); highest among the groups gnomAD compares: African/African-American, 2.1%; 28 homozygotes.

Submissions (3):

Illumina Laboratory Services, Illumina
Classification: Likely benign for Infertility associated with multi-tailed spermatozoa and excessive DNA. Last evaluated: 2018-01-13. Review status: criteria provided, single submitter. Criteria: ICSL Variant Classification Criteria 13 December 2019. Collection method: clinical testing. Allele origin: germline.
Comment: This variant was observed in the ICSL laboratory as part of a predisposition screen in an ostensibly healthy population. It had not been previously curated by ICSL or reported in the Human Gene Mutation Database (HGMD: prior to June 1st, 2018), and was therefore a candidate for classification through an automated scoring system. Utilizing variant allele frequency, disease prevalence and penetrance estimates, and inheritance mode, an automated score was calculated to assess if this variant is too frequent to cause the disease. Based on the score and internal cut-off values, a variant classified as likely benign is not then subjected to further curation. The score for this variant resulted in a classification of likely benign for this disease.

Breakthrough Genomics
Classification: Likely benign. Review status: criteria provided, single submitter. Criteria: ACMG Guidelines, 2015. Collection method: not provided. Allele origin: germline. Inheritance: Autosomal recessive inheritance. Affected: yes.

PreventionGenetics, part of Exact Sciences
Classification: Benign for AURKC-related condition. Last evaluated: 2024-08-17. Review status: no assertion criteria provided. Collection method: clinical testing. Allele origin: germline. Not counted in ClinVar's aggregate classification.
Comment: This variant is classified as benign based on ACMG/AMP sequence variant interpretation guidelines (Richards et al. 2015 PMID: 25741868, with internal and published modifications).

NM_001015878.2(AURKC):c.621G>A (p.Pro207=)

Gene: AURKC (aurora kinase C; plus strand). Cytogenetic location: 19q13.43.
Variant type: single nucleotide variant.
Coding change: c.621G>A on transcript NM_001015878.2 (MANE Select); coding-DNA position 621, G replaced by A.
Protein change: p.Pro207=; no amino-acid change (proline 207 retained).
Molecular consequence: synonymous variant.
Genome position (GRCh38, 1-based): chr19:57,234,920, G>A. VCF-style: chr19-57234920-G-A. GRCh37 (hg19) VCF-style: chr19-57746288-G-A.
Other names: c.564G>A, p.Pro188= (NM_001015879.2); c.519G>A, p.Pro173= (NM_003160.3).
Identifiers: ClinVar variation 330232 (VCV000330232.8), dbSNP rs148940837, ClinGen allele CA9696023.